The following is an entry in ClinVar:

ClinVar aggregate classification (germline): Pathogenic. Review status: criteria provided, multiple submitters, no conflicts (2 of 4 stars). 9 submissions from 9 submitters: Pathogenic (7). 2 of the submissions do not count toward it. Last evaluated 2025-10-21.

Conditions:
MMUT-related disorder. Also called: MMUT-related condition.
Likely inborn error of metabolism.
Methylmalonic aciduria due to complete methylmalonyl-CoA mutase deficiency.
Methylmalonic aciduria. Identifiers: MedGen C1855119, HP:0012120.
Methylmalonic acidemia (MMA). Also called: Isolated Methylmalonic Acidemia. Identifiers: MedGen C0268583, MeSH C537358, MONDO:0002012, HP:0002912.
Methylmalonic aciduria due to methylmalonyl-CoA mutase deficiency (MAMM). Also called: Methylmalonic aciduria, mut type. Identifiers: Orphanet 27, MedGen C1855114, MONDO:0009612, OMIM 251000.

Allele frequency attached by ClinVar (database versions not stated): gnomAD exomes 0.00001; TOPMed 0.00001.
gnomAD v4.1: 11 of 1,613,018 alleles (0.00068%); highest among the groups gnomAD compares: South Asian, 0.0022%; no homozygotes.

Submissions (9):

NHS Central & South Genomic Laboratory Hub
Classification: Pathogenic for Likely inborn error of metabolism. Last evaluated: 2025-10-21. Review status: criteria provided, single submitter. Criteria: ACMG Guidelines, 2015. Collection method: clinical testing. Allele origin: germline. Affected: yes.

Natera, Inc.
Classification: Pathogenic for Methylmalonic aciduria due to complete methylmalonyl-CoA mutase deficiency. Last evaluated: 2025-03-10. Review status: criteria provided, single submitter. Criteria: Natera Variant Classification Schema (03/2026). Collection method: clinical testing. Allele origin: germline.
Comment: The c.1420C>T variant in MMUT is a nonsense variant predicted to introduce a stop codon at amino acid 474. This variant is expected to result in nonsense mediated decay, truncation, or a dysfunctional protein product. This variant is rare in the general population with a frequency below the threshold expected for the associated phenotype(s). This variant has been observed in one or more individuals affected with the associated recessive disease, as either homozygous or compound heterozygous with a second variant (PMID: 19375370). Given the available evidence, this variant is classified as Pathogenic.

Dubai Health Genomic Medicine Center, Dubai Health
Classification: Pathogenic for Methylmalonic aciduria. Last evaluated: 2024-10-04. Review status: criteria provided, single submitter. Criteria: ACMG Guidelines, 2015. Collection method: research. Allele origin: germline. Affected: yes.
Comment: PVS1,PM3(modearte),PM2

Revvity Omics, Revvity
Classification: Pathogenic for Methylmalonic aciduria due to methylmalonyl-CoA mutase deficiency. Last evaluated: 2024-07-16. Review status: criteria provided, single submitter. Criteria: ACMG Guidelines, 2015. Collection method: clinical testing. Allele origin: germline.

Labcorp Genetics (formerly Invitae), Labcorp
Classification: Pathogenic. Last evaluated: 2023-10-07. Review status: criteria provided, single submitter. Criteria: Invitae Variant Classification Sherloc (09022015). Collection method: clinical testing. Allele origin: germline.
Comment: This sequence change creates a premature translational stop signal (p.Arg474*) in the MUT gene. It is expected to result in an absent or disrupted protein product. Loss-of-function variants in MUT are known to be pathogenic (PMID: 15781192). This variant is present in population databases (no rsID available, gnomAD 0.003%). This premature translational stop signal has been observed in individual(s) with methylmalonic aciduria (PMID: 15643616, 16281286). ClinVar contains an entry for this variant (Variation ID: 554873). For these reasons, this variant has been classified as Pathogenic.

Women's Health and Genetics/Laboratory Corporation of America, LabCorp
Classification: Pathogenic for Methylmalonic acidemia. Last evaluated: 2019-12-20. Review status: criteria provided, single submitter. Criteria: LabCorp Variant Classification Summary - May 2015. Collection method: clinical testing. Allele origin: germline.
Comment: Variant summary: MUT c.1420C>T (p.Arg474X) results in a premature termination codon, predicted to cause a truncation of the encoded protein or absence of the protein due to nonsense mediated decay, which are commonly known mechanisms for disease. Truncations downstream of this position have been classified as pathogenic by our laboratory. The variant allele was found at a frequency of 8e-06 in 251244 control chromosomes (gnomAD). c.1420C>T has been reported in the literature in multiple homozygous and compound heterozygous individuals affected with Methylmalonic Acidemia (e.g. Acquaviva_2015, Forny_2016, Worgan_2006). These data indicate that the variant is very likely to be associated with disease. Biochemical studies report low incorporation of propionate and low MUT enzyme activity for cells with the variant and assign mut0 class (Forny_2016, Worgan_2006). Two ClinVar submitters (evaluation after 2014) cite the variant as pathogenic. Based on the evidence outlined above, the variant was classified as pathogenic.

Clinical Genetics Service, Universitary Hospital 12 de Octubre
Classification: Pathogenic for Methylmalonic aciduria due to methylmalonyl-CoA mutase deficiency. Review status: criteria provided, single submitter. Criteria: ACMG Guidelines, 2015. Collection method: clinical testing. Allele origin: germline. Affected: yes.

PreventionGenetics, part of Exact Sciences
Classification: Pathogenic for MMUT-related condition. Last evaluated: 2024-09-18. Review status: no assertion criteria provided. Collection method: clinical testing. Allele origin: germline. Not counted in ClinVar's aggregate classification.
Comment: The MMUT c.1420C>T variant is predicted to result in premature protein termination (p.Arg474*). This variant has been reported in the homozygous state or heterozygous state with a second MMUT variant in individuals with methylmalonic acidemia, typically mmut0 type (Acquaviva et al. 2005. PubMed ID: 15643616; Worgan et al. 2006. PubMed ID: 16281286). This variant is reported in 0.0033% of alleles in individuals of South Asian descent in gnomAD. Nonsense variants in MMUT are expected to be pathogenic. This variant is interpreted as pathogenic.

Counsyl
Classification: Pathogenic for Methylmalonic aciduria due to methylmalonyl-CoA mutase deficiency. Last evaluated: 2017-11-08. Review status: no assertion criteria provided. Collection method: clinical testing. Allele origin: unknown. Not counted in ClinVar's aggregate classification.

Literature cited by the submitters: PubMed 19375370 (cited by Natera, Inc.); PubMed 15781192 (cited by Labcorp Genetics (formerly Invitae), Labcorp); PubMed 15643616 (cited by Labcorp Genetics (formerly Invitae), Labcorp and Women's Health and Genetics/Laboratory Corporation of America, LabCorp); PubMed 16281286 (cited by 3 submitters); PubMed 27167370 (cited by Women's Health and Genetics/Laboratory Corporation of America, LabCorp).

NM_000255.4(MMUT):c.1420C>T (p.Arg474Ter)

Gene: MMUT (methylmalonyl-CoA mutase; minus strand). Cytogenetic location: 6p12.3.
Variant type: single nucleotide variant.
Coding change: c.1420C>T on transcript NM_000255.4 (MANE Select); coding-DNA position 1420, C replaced by T.
Protein change: p.Arg474Ter; replaces arginine 474 with a stop codon.
Molecular consequence: nonsense.
Genome position (GRCh38, 1-based): chr6:49,448,840, G>A on the plus strand (C>T on the coding strand, the complement: MMUT is on the minus strand). VCF-style: chr6-49448840-G-A. GRCh37 (hg19) VCF-style: chr6-49416553-G-A.
Other names: short protein forms R474*.
Identifiers: ClinVar variation 554873 (VCV000554873.20), dbSNP rs887126161, ClinGen allele CA138795916.